The following is an entry in ClinVar:

ClinVar aggregate classification (germline): Pathogenic (1 of 4 stars; one submission).

Conditions:
Hereditary cancer-predisposing syndrome. Also called: Neoplastic Syndromes, Hereditary; Tumor predisposition; Hereditary Cancer Syndrome; Hereditary neoplastic syndrome. Identifiers: Orphanet 140162, MedGen C0027672, MeSH D009386, MONDO:0015356.

Submission:

Ambry Genetics
Classification: Pathogenic for Hereditary cancer-predisposing syndrome. Last evaluated: 2026-03-25. Review status: criteria provided, single submitter. Criteria: Ambry Variant Classification Scheme 2023. Collection method: clinical testing. Allele origin: germline.
Comment: The c.3745delC pathogenic mutation, located in coding exon 30 of the TSC2 gene, results from a deletion of one nucleotide at nucleotide position 3745, causing a translational frameshift with a predicted alternate stop codon (p.L1249Cfs*76). This variant is considered to be rare based on population cohorts in the Genome Aggregation Database (gnomAD). This alteration is expected to result in loss of function by premature protein truncation or nonsense-mediated mRNA decay. As such, this alteration is interpreted as a disease-causing mutation.

NM_000548.5(TSC2):c.3745del (p.Leu1249fs)

Gene: TSC2 (TSC complex subunit 2; plus strand). Cytogenetic location: 16p13.3.
Variant type: Deletion.
Coding change: c.3745del on transcript NM_000548.5 (MANE Select); coding-DNA position 3745, one base deleted (C; older notation c.3745delC).
Protein change: p.Leu1249fs; shifts the reading frame from leucine 1249.
Molecular consequence: frameshift variant. On other transcripts: non-coding transcript variant (5).
Genome position (GRCh38, 1-based): chr16:2,081,729, C deleted; the last of 3 consecutive C bases (chr16:2,081,727-2,081,729); deleting any one gives the same sequence. VCF-style (leftmost placement, unchanged base first): chr16-2081726-GC-G. GRCh37 (hg19) VCF-style: chr16-2131727-GC-G.
Other names: c.3613del, p.Leu1205fs (NM_001077183.3, NM_001370404.1, NM_001406665.1); c.3745del, p.Leu1249fs (NM_001114382.3); c.3505del, p.Leu1169fs (NM_001318827.2); c.3469del, p.Leu1157fs (NM_001318829.2); c.3013del, p.Leu1005fs (NM_001318831.2, NM_001406687.1, NM_001406688.1); c.3646del, p.Leu1216fs (NM_001318832.2); c.3616del, p.Leu1206fs (NM_001363528.2, NM_001370405.1, NM_021055.3); c.3742del, p.Leu1248fs (NM_001406663.1, NM_001406664.1); and 18 more; short protein forms L1005fs, L1006fs, L1048fs, L1049fs, L1052fs, L1156fs, L1157fs, L1168fs.
Identifiers: ClinVar variation 4866066 (VCV004866066.1).